The following is an entry in ClinVar:

ClinVar aggregate classification (germline): Benign. Review status: criteria provided, multiple submitters, no conflicts (2 of 4 stars). 4 submissions from 4 submitters: Benign (3). 1 of the submissions does not count toward it. Last evaluated 2026-09-01.

Conditions:
PHF21A-related disorder. Also called: PHF21A-related condition.

Allele frequency attached by ClinVar (database versions not stated): ExAC 0.00009; gnomAD exomes 0.00023 and 0.00089; 1000 Genomes Project 0.00040; 1000 Genomes Project 30x 0.00062; TOPMed 0.00260; gnomAD 0.00282 and 0.00293.
gnomAD v4.1: 759 of 1,613,976 alleles (0.047%); highest among the groups gnomAD compares: Admixed American, 1.2%; 23 homozygotes.

Submissions (4):

CeGaT Center for Human Genetics Tuebingen
Classification: Benign. Last evaluated: 2026-09-01. Review status: criteria provided, single submitter. Criteria: CeGaT Center For Human Genetics Tuebingen Variant Classification Criteria Version 2. Collection method: clinical testing. Allele origin: germline. Affected: yes. Observed: 6 variant alleles.
Comment: PHF21A: BS1, BS2

Labcorp Genetics (formerly Invitae), Labcorp
Classification: Benign. Last evaluated: 2025-12-31. Review status: criteria provided, single submitter. Criteria: Invitae Variant Classification Sherloc (09022015). Collection method: clinical testing. Allele origin: germline.

Breakthrough Genomics
Classification: Benign. Review status: criteria provided, single submitter. Criteria: ACMG Guidelines, 2015. Collection method: not provided. Allele origin: germline. Inheritance: Autosomal dominant inheritance. Affected: yes.

PreventionGenetics, part of Exact Sciences
Classification: Benign for PHF21A-related condition. Last evaluated: 2021-09-01. Review status: no assertion criteria provided. Collection method: clinical testing. Allele origin: germline. Not counted in ClinVar's aggregate classification.
Comment: This variant is classified as benign based on ACMG/AMP sequence variant interpretation guidelines (Richards et al. 2015 PMID: 25741868, with internal and published modifications).

NM_001352027.3(PHF21A):c.1937A>G (p.Asn646Ser)

Gene: PHF21A (PHD finger protein 21A; minus strand). Cytogenetic location: 11p11.2.
Variant type: single nucleotide variant.
Coding change: c.1937A>G on transcript NM_001352027.3 (MANE Select); coding-DNA position 1937, A replaced by G.
Protein change: p.Asn646Ser; replaces asparagine 646 with serine.
Molecular consequence: missense variant. On other transcripts: non-coding transcript variant (2).
Genome position (GRCh38, 1-based): chr11:45,934,077, T>C on the plus strand (A>G on the coding strand, the complement: PHF21A is on the minus strand). VCF-style: chr11-45934077-T-C. GRCh37 (hg19) VCF-style: chr11-45955628-T-C.
Other names: c.1934A>G, p.Asn645Ser (NM_001101802.3); c.1937A>G, p.Asn646Ser (NM_001352025.3, NM_001352026.3); c.1796A>G, p.Asn599Ser (NM_001352028.1, NM_001352029.1, NM_016621.5); c.1793A>G, p.Asn598Ser (NM_001352030.3, NM_001352031.3, NM_001352032.3); c.1796A>G (NM_016621.3); short protein forms N598S, N599S, N645S, N646S.
Identifiers: ClinVar variation 1618357 (VCV001618357.17), dbSNP rs191903911, ClinGen allele CA5960932.
Genomic context (GRCh38, chr11:45,934,077, plus strand): 5'-GAGGGGGAAGGGGCCGGCGTGGAGGTGGCGGCATTGGCAGGGGGGGTGCAGTCCGGGCCA[T>C]TGGAGATGGCCCCCACAGTGGCCTCAGAGTCTACAGGTTTGGAGAGGTCGATGCCGTGGA-3'
Protein context (NP_001338956.1, residues 636-656): DSEATVGAIS[Asn646Ser]GPDCTPPANA